The following is an entry in ClinVar:

NM_000350.3(ABCA4):c.3304G>A (p.Asp1102Asn)

Gene: ABCA4 (ATP binding cassette subfamily A member 4; minus strand). Cytogenetic location: 1p22.1.
Variant type: single nucleotide variant.
Coding change: c.3304G>A on transcript NM_000350.3 (MANE Select); coding-DNA position 3304, G replaced by A.
Protein change: p.Asp1102Asn; replaces aspartic acid 1102 with asparagine.
Molecular consequence: missense variant.
Genome position (GRCh38, 1-based): chr1:94,042,785, C>T on the plus strand (G>A on the coding strand, the complement: ABCA4 is on the minus strand). VCF-style: chr1-94042785-C-T. GRCh37 (hg19) VCF-style: chr1-94508341-C-T.
Other names: c.3082G>A, p.Asp1028Asn (NM_001425324.1); short protein forms D1102N, D1028N.
Identifiers: ClinVar variation 69298 (VCV000069298.10), dbSNP rs138641544, ClinGen allele CA957988.

ClinVar aggregate classification (germline): Conflicting classifications of pathogenicity. Review status: criteria provided, conflicting classifications (1 of 4 stars). 2 submissions from 2 submitters: Likely pathogenic (1); Uncertain significance (1). Last evaluated 2023-11-15.

Allele frequency attached by ClinVar (database versions not stated): TOPMed 0.00006.
gnomAD v4.1: 70 of 1,614,076 alleles (0.0043%); highest among the groups gnomAD compares: Non-Finnish European, 0.0057%; no homozygotes.

Submissions (2):

Labcorp Genetics (formerly Invitae), Labcorp
Classification: Likely pathogenic. Last evaluated: 2023-11-15. Review status: criteria provided, single submitter. Criteria: Invitae Variant Classification Sherloc (09022015). Collection method: clinical testing. Allele origin: germline.
Comment: This sequence change replaces aspartic acid, which is acidic and polar, with asparagine, which is neutral and polar, at codon 1102 of the ABCA4 protein (p.Asp1102Asn). This variant is present in population databases (rs138641544, gnomAD 0.002%). This variant has not been reported in the literature in individuals affected with ABCA4-related conditions. ClinVar contains an entry for this variant (Variation ID: 69298). Advanced modeling of protein sequence and biophysical properties (such as structural, functional, and spatial information, amino acid conservation, physicochemical variation, residue mobility, and thermodynamic stability) performed at Invitae indicates that this missense variant is expected to disrupt ABCA4 protein function with a positive predictive value of 95%. This variant disrupts the p.Asp1102 amino acid residue in ABCA4. Other variant(s) that disrupt this residue have been determined to be pathogenic (PMID: 22427542; Invitae). This suggests that this residue is clinically significant, and that variants that disrupt this residue are likely to be disease-causing. In summary, the currently available evidence indicates that the variant is pathogenic, but additional data are needed to prove that conclusively. Therefore, this variant has been classified as Likely Pathogenic.

Blueprint Genetics
Classification: Uncertain significance. Last evaluated: 2020-08-27. Review status: criteria provided, single submitter. Criteria: ACMG Guidelines, 2015. Collection method: clinical testing. Allele origin: germline.

Literature cited by the submitters: PubMed 22427542 (cited by Labcorp Genetics (formerly Invitae), Labcorp).